The following is an entry in ClinVar:

NM_015340.4(LARS2):c.1475G>T (p.Gly492Val)

Genes: LARS2 (leucyl-tRNA synthetase 2, mitochondrial; plus strand), LARS2-AS1 (LARS2 antisense RNA 1; minus strand). Cytogenetic location: 3p21.31.
Variant type: single nucleotide variant.
Coding change: c.1475G>T on transcript NM_015340.4 (MANE Select); coding-DNA position 1475, G replaced by T.
Protein change: p.Gly492Val; replaces glycine 492 with valine.
Molecular consequence: missense variant.
Genome position (GRCh38, 1-based): chr3:45,491,752, G>T. VCF-style: chr3-45491752-G-T. GRCh37 (hg19) VCF-style: chr3-45533244-G-T.
Other names: c.1475G>T, p.Gly492Val (NM_001368263.1); short protein forms G492V.
Identifiers: ClinVar variation 2502693 (VCV002502693.1), dbSNP rs762492893, ClinGen allele CA2349608.

ClinVar aggregate classification (germline): Uncertain significance (1 of 4 stars; one submission).

Allele frequency attached by ClinVar (database versions not stated): ExAC 0.00001; gnomAD 0.00001; TOPMed 0.00001.
gnomAD v4.1: 4 of 1,613,748 alleles (0.00025%); highest among the groups gnomAD compares: African/African-American, 0.004%; no homozygotes.

Submission:

GeneDx
Classification: Uncertain significance. Last evaluated: 2022-11-16. Review status: criteria provided, single submitter. Criteria: GeneDx Variant Classification Process June 2021. Collection method: clinical testing. Allele origin: germline. Affected: yes.
Comment: Not observed at significant frequency in large population cohorts (gnomAD); In silico analysis supports that this missense variant has a deleterious effect on protein structure/function; Has not been previously published as pathogenic or benign to our knowledge